The following is an entry in ClinVar:

ClinVar aggregate classification (germline): Likely benign (0 of 4 stars; one submission).

Conditions:
MIPEP-related disorder. Also called: MIPEP-related condition.

gnomAD v4.1: 10 of 1,614,010 alleles (0.00062%); highest among the groups gnomAD compares: Non-Finnish European, 0.00085%; no homozygotes.

Submission:

PreventionGenetics, part of Exact Sciences
Classification: Likely benign for MIPEP-related condition. Last evaluated: 2020-04-29. Review status: no assertion criteria provided. Collection method: clinical testing. Allele origin: germline.
Comment: This variant is classified as likely benign based on ACMG/AMP sequence variant interpretation guidelines (Richards et al. 2015 PMID: 25741868, with internal and published modifications).

NM_005932.4(MIPEP):c.1923C>G (p.Val641=)

Gene: MIPEP (mitochondrial intermediate peptidase; minus strand). Cytogenetic location: 13q12.12.
Variant type: single nucleotide variant.
Coding change: c.1923C>G on transcript NM_005932.4 (MANE Select); coding-DNA position 1923, C replaced by G.
Protein change: p.Val641=; no amino-acid change (valine 641 retained).
Molecular consequence: synonymous variant.
Genome position (GRCh38, 1-based): chr13:23,760,143, G>C on the plus strand (C>G on the coding strand, the complement: MIPEP is on the minus strand). VCF-style: chr13-23760143-G-C. GRCh37 (hg19) VCF-style: chr13-24334282-G-C.
Identifiers: ClinVar variation 3054196 (VCV003054196.2), dbSNP rs779977642, ClinGen allele CA247041498.